The following is an entry in ClinVar:

ClinVar aggregate classification (germline): Uncertain significance (1 of 4 stars; one submission).

Conditions:
Inborn genetic diseases. Identifiers: MedGen C0950123, MeSH D030342.

gnomAD v4.1: 2 of 1,613,018 alleles (0.00012%); highest among the groups gnomAD compares: African/African-American, 0.0027%; no homozygotes.

Submission:

Ambry Genetics
Classification: Uncertain significance for Inborn genetic diseases. Last evaluated: 2024-11-25. Review status: criteria provided, single submitter. Criteria: Ambry Variant Classification Scheme 2023. Collection method: clinical testing. Allele origin: germline.
Comment: The p.E144G variant (also known as c.431A>G), located in coding exon 4 of the CEP57 gene, results from an A to G substitution at nucleotide position 431. The glutamic acid at codon 144 is replaced by glycine, an amino acid with similar properties. This amino acid position is conserved. In addition, this alteration is predicted to be deleterious by in silico analysis. Based on the available evidence, the clinical significance of this variant remains unclear.

NM_014679.5(CEP57):c.431A>G (p.Glu144Gly)

Gene: CEP57 (centrosomal protein 57; plus strand). Cytogenetic location: 11q21.
Variant type: single nucleotide variant.
Coding change: c.431A>G on transcript NM_014679.5 (MANE Select); coding-DNA position 431, A replaced by G.
Protein change: p.Glu144Gly; replaces glutamic acid 144 with glycine.
Molecular consequence: missense variant.
Genome position (GRCh38, 1-based): chr11:95,813,516, A>G. VCF-style: chr11-95813516-A-G. GRCh37 (hg19) VCF-style: chr11-95546680-A-G.
Other names: c.404A>G, p.Glu135Gly (NM_001243776.2); c.431A>G, p.Glu144Gly (NM_001243777.2); c.350A>G, p.Glu117Gly (NM_001363604.2); short protein forms E135G, E117G, E144G.
Identifiers: ClinVar variation 3490839 (VCV003490839.1).
Genomic context (GRCh38, chr11:95,813,516, plus strand): 5'-TATTCTTTTTAGAACTGACATCTCAGTTGTTAGCTGCAGAAAATAAATGCAATCTATTAG[A>G]AAAACAATTGGAATACATGCGAAATATGATAAAGCATGCCGAAATGGAGAGGACATCTGT-3'
Protein context (NP_055494.2, residues 134-154): LAAENKCNLL[Glu144Gly]KQLEYMRNMI